The following is an entry in ClinVar:

ClinVar aggregate classification (germline): Likely pathogenic (1 of 4 stars; one submission).

Submission:

Dasa
Classification: Likely pathogenic. Last evaluated: 2026-01-15. Review status: criteria provided, single submitter. Criteria: DASA Assertion Criteria. Collection method: clinical testing. Allele origin: germline.
Comment: NM_000218.3(KCNQ1):c.1192A>T (p.Lys398*) is a nonsense variant in KCNQ1 predicted to introduce a premature termination codon and is predicted to result in an absent or altered protein product. Loss of function is an established disease mechanism for KCNQ1 (PMID: 26669661; PMID: 29532034; PMID: 23098067). Also, this variant is rare in population databases. Based on the currently available evidence, this variant is classified as likely pathogenic.

Literature cited by the submitters: PubMed 26669661; PubMed 29532034; PubMed 23098067.

NM_000218.3(KCNQ1):c.1192A>T (p.Lys398Ter)

Gene: KCNQ1 (potassium voltage-gated channel subfamily Q member 1; plus strand). Cytogenetic location: 11p15.5.
Variant type: single nucleotide variant.
Coding change: c.1192A>T on transcript NM_000218.3 (MANE Select); coding-DNA position 1192, A replaced by T.
Protein change: p.Lys398Ter; replaces lysine 398 with a stop codon.
Molecular consequence: nonsense.
Genome position (GRCh38, 1-based): chr11:2,587,633, A>T. VCF-style: chr11-2587633-A-T. GRCh37 (hg19) VCF-style: chr11-2608863-A-T.
Other names: c.1096A>T, p.Lys366Ter (NM_001406836.1); c.922A>T, p.Lys308Ter (NM_001406837.1); c.652A>T, p.Lys218Ter (NM_001406838.1); c.811A>T, p.Lys271Ter (NM_181798.2); short protein forms K218*, K271*, K308*, K366*, K398*.
Identifiers: ClinVar variation 4883249 (VCV004883249.2).